The following is an entry in ClinVar:

ClinVar aggregate classification (germline): Pathogenic (1 of 4 stars; one submission).

Conditions:
GNPTAB-mucolipidosis. Also called: UDP-N-acetylglucosamine-1-phosphotransferase subunit alpha/beta deficiency. Identifiers: MedGen CN322573, MONDO:0100122.

Submission:

Myriad Genetics, Inc.
Classification: Pathogenic for GNPTAB-mucolipidosis. Last evaluated: 2023-08-09. Review status: criteria provided, single submitter. Criteria: Myriad Autosomal Dominant, Autosomal Recessive and X-Linked Classification Criteria (2023). Collection method: clinical testing. Allele origin: unknown.
Comment: NM_024312.4(GNPTAB):c.245_246delTG(V82Efs*6) is expected to be pathogenic in the context of GNPTAB-related disorders. This variant is predicted to lead to an abnormal or absent protein product due to the creation of a premature termination codon in GNPTAB, a gene where loss-of-function variants are known to be pathogenic. Please note: this variant was assessed in the context of healthy population screening.

NM_024312.5(GNPTAB):c.245_246del (p.Val82fs)

Gene: GNPTAB (N-acetylglucosamine-1-phosphate transferase subunits alpha and beta; minus strand). Cytogenetic location: 12q23.2.
Variant type: Deletion.
Coding change: c.245_246del on transcript NM_024312.5 (MANE Select); coding-DNA positions 245 to 246, 2 bases deleted (TG; older notation c.245_246delTG).
Protein change: p.Val82fs; shifts the reading frame from valine 82.
Molecular consequence: frameshift variant.
Genome position (GRCh38, 1-based): chr12:101,790,015-101,790,016, CA deleted on the plus strand (TG on the coding strand, the reverse complement: GNPTAB is on the minus strand); deleting any 2 consecutive bases within chr12:101,790,015-101,790,017 gives the same sequence; the c. name uses the placement nearest the transcript's 3' end. VCF-style (leftmost placement, unchanged base first): chr12-101790014-TCA-T. GRCh37 (hg19) VCF-style: chr12-102183792-TCA-T.
Other names: short protein forms V82fs.
Identifiers: ClinVar variation 5011298 (VCV005011298.1).